The following is an entry in ClinVar:

ClinVar aggregate classification (germline): Benign (3 of 4 stars; one submission).

Conditions:
Breast-ovarian cancer, familial, susceptibility to, 2 (BROVCA2). Also called: BRCA2 Hereditary Breast and Ovarian Cancer. Identifiers: Orphanet 145, MedGen C2675520, MONDO:0012933, OMIM 612555. Disease mechanism: loss of function.

Allele frequency attached by ClinVar (database versions not stated): TOPMed 0.00174; gnomAD 0.00192; 1000 Genomes Project 30x 0.00250; 1000 Genomes Project 0.00260.
gnomAD v4.1: 255 of 151,832 alleles (0.17%); highest among the groups gnomAD compares: African/African-American, 0.6%; 1 homozygote.

Submission:

Evidence-based Network for the Interpretation of Germline Mutant Alleles (ENIGMA)
Classification: Benign for Breast-ovarian cancer, familial 2. Last evaluated: 2015-01-12. Review status: reviewed by expert panel. Criteria: ENIGMA BRCA1/2 Classification Criteria (2015). Collection method: curation. Allele origin: germline.
Comment: Class 1 not pathogenic based on frequency >1% in an outbred sampleset. Frequency 0.01423 (African), derived from 1000 genomes (2012-04-30).

NM_000059.4(BRCA2):c.7007+2777C>T

Gene: BRCA2 (BRCA2 DNA repair associated; plus strand). Cytogenetic location: 13q13.1.
Variant type: single nucleotide variant.
Coding change: c.7007+2777C>T on transcript NM_000059.4 (MANE Select); 2777 bases into the intron after coding-DNA position 7007, C replaced by T.
Molecular consequence: intron variant.
Genome position (GRCh38, 1-based): chr13:32,349,673, C>T. VCF-style: chr13-32349673-C-T. GRCh37 (hg19) VCF-style: chr13-32923810-C-T.
Other names: IVS 13+2777C>T.
Identifiers: ClinVar variation 209734 (VCV000209734.1), dbSNP rs143663101, ClinGen allele CA276702.
Genomic context (GRCh38, chr13:32,349,673, plus strand): 5'-CGAGACCAGCCTGGCTAACATGGTGAAACCCCATCTCTGTTAAAAATGCAAAAATTAGCT[C>T]GGCATGGTAGCATGCCCCTGTAATCCAGCTACTCAGGAGGCTGAGGTGGGAGAACTGCTT-3'